The following is an entry in ClinVar:

ClinVar aggregate classification (germline): Uncertain significance. Review status: criteria provided, multiple submitters, no conflicts (2 of 4 stars). 2 submissions from 2 submitters: Uncertain significance (2). Last evaluated 2024-10-23.

Conditions:
Inborn genetic diseases. Identifiers: MedGen C0950123, MeSH D030342.

gnomAD v4.1: 1 of 1,494,178 alleles (0.000067%); highest among the groups gnomAD compares: Non-Finnish European, 0.000088%; no homozygotes.

Submissions (2):

Labcorp Genetics (formerly Invitae), Labcorp
Classification: Uncertain significance. Last evaluated: 2024-10-23. Review status: criteria provided, single submitter. Criteria: Invitae Variant Classification Sherloc (09022015). Collection method: clinical testing. Allele origin: germline.
Comment: This sequence change replaces proline, which is neutral and non-polar, with leucine, which is neutral and non-polar, at codon 12 of the TTPA protein (p.Pro12Leu). This variant is not present in population databases (gnomAD no frequency). This variant has not been reported in the literature in individuals affected with TTPA-related conditions. ClinVar contains an entry for this variant (Variation ID: 2287892). Invitae Evidence Modeling of protein sequence and biophysical properties (such as structural, functional, and spatial information, amino acid conservation, physicochemical variation, residue mobility, and thermodynamic stability) indicates that this missense variant is not expected to disrupt TTPA protein function with a negative predictive value of 80%. In summary, the available evidence is currently insufficient to determine the role of this variant in disease. Therefore, it has been classified as a Variant of Uncertain Significance.

Ambry Genetics
Classification: Uncertain significance for Inborn genetic diseases. Last evaluated: 2022-05-06. Review status: criteria provided, single submitter. Criteria: Ambry Variant Classification Scheme 2023. Collection method: clinical testing. Allele origin: germline.

NM_000370.3(TTPA):c.35C>T (p.Pro12Leu)

Gene: TTPA (alpha tocopherol transfer protein; minus strand). Cytogenetic location: 8q12.3.
Variant type: single nucleotide variant.
Coding change: c.35C>T on transcript NM_000370.3 (MANE Select); coding-DNA position 35, C replaced by T.
Protein change: p.Pro12Leu; replaces proline 12 with leucine.
Molecular consequence: missense variant.
Genome position (GRCh38, 1-based): chr8:63,085,987, G>A on the plus strand (C>T on the coding strand, the complement: TTPA is on the minus strand). VCF-style: chr8-63085987-G-A. GRCh37 (hg19) VCF-style: chr8-63998546-G-A.
Other names: c.35C>T, p.Pro12Leu (NM_001413414.1, NM_001413415.1, NM_001413416.1 and 2 more transcripts); short protein forms P12L.
Identifiers: ClinVar variation 2287892 (VCV002287892.4), dbSNP rs2487201567, ClinGen allele CA371403675.